The following is an entry in ClinVar:

ClinVar aggregate classification (germline): Uncertain significance (1 of 4 stars; one submission).

Conditions:
Immunodeficiency 98 with autoinflammation, X-linked (IMD98). Also called: INFLAMMATION, NEUTROPENIA, BONE MARROW FAILURE, AND LYMPHOPROLIFERATION CAUSED BY TLR8. Identifiers: Orphanet 675628, MedGen C5676883, MONDO:0024777, OMIM 301078.

gnomAD v4.1: 1 of 1,211,760 alleles (0.000083%); highest among the groups gnomAD compares: South Asian, 0.0018%; no homozygotes.

Submission:

Neuberg Centre For Genomic Medicine, NCGM
Classification: Uncertain significance for Immunodeficiency 98 with autoinflammation, X-linked. Last evaluated: 2023-05-20. Review status: criteria provided, single submitter. Criteria: ACMG Guidelines, 2015. Collection method: clinical testing. Allele origin: germline. Inheritance: X-linked inheritance. Affected: yes.
Comment: The observed missense c.328C>G(p.Gln110Glu) variant in TLR8 gene has not been reported previously as a pathogenic variant nor a benign variant, to our knowledge. The p.Gln110Glu variant is absent in gnomAD Exomes. This variant has not been submitted to the ClinVar database. Multiple lines of computational evidences (Polyphen - Benign, SIFT - Tolerated and MutationTaster - Polymorphism) predict no damaging effect on protein structure and function for this variant. The amino acid Gln at position 110 is changed to a Glu changing protein sequence and it might alter its composition and physico-chemical properties. For these reasons, this variant has been classified as a Variant of Uncertain Significance (VUS).

NM_138636.5(TLR8):c.328C>G (p.Gln110Glu)

Genes: TLR8 (toll like receptor 8; plus strand), TLR8-AS1 (TLR8 antisense RNA 1; minus strand). Cytogenetic location: Xp22.2.
Variant type: single nucleotide variant.
Coding change: c.328C>G on transcript NM_138636.5 (MANE Select); coding-DNA position 328, C replaced by G.
Protein change: p.Gln110Glu; replaces glutamine 110 with glutamic acid.
Molecular consequence: missense variant.
Genome position (GRCh38, 1-based): chrX:12,919,368, C>G. VCF-style: chrX-12919368-C-G. GRCh37 (hg19) VCF-style: chrX-12937487-C-G.
Other names: c.382C>G, p.Gln128Glu (NM_016610.4); short protein forms Q110E, Q128E.
Identifiers: ClinVar variation 3341294 (VCV003341294.1).